The following is an entry in ClinVar:

ClinVar aggregate classification (germline): Likely benign. Review status: criteria provided, multiple submitters, no conflicts (2 of 4 stars). 4 submissions from 4 submitters: Likely benign (4). Last evaluated 2023-12-01.

Conditions:
Catecholaminergic polymorphic ventricular tachycardia 1. Also called: RYR2-Related Catecholaminergic Polymorphic Ventricular Tachycardia; VENTRICULAR TACHYCARDIA, CATECHOLAMINERGIC POLYMORPHIC, 1, WITH OR WITHOUT ATRIAL DYSFUNCTION AND/OR DILATED CARDIOMYOPATHY; VENTRICULAR TACHYCARDIA, STRESS-INDUCED POLYMORPHIC 1. Identifiers: Orphanet 3286, MedGen C1631597, MONDO:0011484, OMIM 604772.
Cardiovascular phenotype. Identifiers: MedGen CN230736.
Catecholaminergic polymorphic ventricular tachycardia (CVPT). Also called: Catecholamine-induced polymorphic ventricular tachycardia. Identifiers: Orphanet 3286, MedGen C5574922, MONDO:0017990.
Cardiomyopathy (CMYO). Also called: Cardiomyopathies. Identifiers: Orphanet 167848, MedGen C0878544, MONDO:0004994, HP:0001638. Inheritance: Various modes of inheritance.

Allele frequency attached by ClinVar (database versions not stated): gnomAD exomes 0.00001.
gnomAD v4.1: 10 of 1,605,658 alleles (0.00062%); highest among the groups gnomAD compares: Non-Finnish European, 0.00077%; no homozygotes.

Submissions (4):

All of Us Research Program, National Institutes of Health
Classification: Likely benign for Catecholaminergic polymorphic ventricular tachycardia. Last evaluated: 2023-12-01. Review status: criteria provided, single submitter. Criteria: ACMG Guidelines, 2015. Collection method: clinical testing. Allele origin: germline. Inheritance: Autosomal dominant inheritance. Observed: 4 variant alleles, 4 heterozygotes.
Comment: This study involves interpretation of variants in research participants for the purpose of population health screening. Participant phenotype was not available at the time of variant classification. Additional details can be found in publication PMID: 35346344, PMCID: PMC8962531

Ambry Genetics
Classification: Likely benign for Cardiovascular phenotype. Last evaluated: 2023-07-05. Review status: criteria provided, single submitter. Criteria: Ambry Variant Classification Scheme 2023. Collection method: clinical testing. Allele origin: germline.

Labcorp Genetics (formerly Invitae), Labcorp
Classification: Likely benign for Catecholaminergic polymorphic ventricular tachycardia 1. Last evaluated: 2022-01-11. Review status: criteria provided, single submitter. Criteria: Invitae Variant Classification Sherloc (09022015). Collection method: clinical testing. Allele origin: germline.

Color Diagnostics, LLC DBA Color Health
Classification: Likely benign for Cardiomyopathy. Last evaluated: 2018-10-16. Review status: criteria provided, single submitter. Criteria: ACMG Guidelines, 2015. Collection method: clinical testing. Allele origin: germline.

NM_001035.3(RYR2):c.10770A>G (p.Leu3590=)

Gene: RYR2 (ryanodine receptor 2; plus strand). Cytogenetic location: 1q43.
Variant type: single nucleotide variant.
Coding change: c.10770A>G on transcript NM_001035.3 (MANE Select); coding-DNA position 10770, A replaced by G.
Protein change: p.Leu3590=; no amino-acid change (leucine 3590 retained).
Molecular consequence: synonymous variant.
Genome position (GRCh38, 1-based): chr1:237,727,131, A>G. VCF-style: chr1-237727131-A-G. GRCh37 (hg19) VCF-style: chr1-237890431-A-G.
Other names: c.10770A>G, p.Leu3590= (LRG_402t1).
Identifiers: ClinVar variation 629573 (VCV000629573.14), dbSNP rs903446046, ClinGen allele CA39807310.